The following is an entry in ClinVar:

ClinVar aggregate classification (germline): Uncertain significance (0 of 4 stars; one submission).

Conditions:
GNAS-related disorder. Identifiers: MedGen CN380105.

Submission:

PreventionGenetics, part of Exact Sciences
Classification: Uncertain significance for GNAS-related condition. Last evaluated: 2023-10-30. Review status: no assertion criteria provided. Collection method: clinical testing. Allele origin: germline.
Comment: The GNAS c.2050C>A variant is predicted to result in the amino acid substitution p.His684Asn. In an alternate transcript (NM_000516.5), this variant is found within a non-coding region (c.-36412C>A). To our knowledge, this variant has not been reported in the literature or in a large population database, indicating this variant is rare. At this time, the clinical significance of this variant is uncertain due to the absence of conclusive functional and genetic evidence.

NM_080425.4(GNAS):c.2050C>A (p.His684Asn)

Gene: GNAS (GNAS complex locus; plus strand). Cytogenetic location: 20q13.32.
Variant type: single nucleotide variant.
Coding change: c.2050C>A on transcript NM_080425.4 (MANE Plus Clinical); coding-DNA position 2050, C replaced by A.
Protein change: p.His684Asn; replaces histidine 684 with asparagine.
Molecular consequence: missense variant. On other transcripts: synonymous variant (2), intron variant (3).
Genome position (GRCh38, 1-based): chr20:58,855,315, C>A. VCF-style: chr20-58855315-C-A. GRCh37 (hg19) VCF-style: chr20-57430370-C-A.
Other names: c.1863C>A, p.Arg621= (NM_001077490.3, NM_001309883.1); c.2050C>A, p.His684Asn (NM_001410913.1); c.*42+14429C>A (NM_016592.5); c.43+14429C>A (NM_001410912.1); c.-39+13440C>A (NM_001309861.2); short protein forms H684N.
Identifiers: ClinVar variation 3348268 (VCV003348268.1).